The following is an entry in ClinVar:

NM_030665.4(RAI1):c.1733G>A (p.Ser578Asn)

Gene: RAI1 (retinoic acid induced 1; plus strand). Cytogenetic location: 17p11.2.
Variant type: single nucleotide variant.
Coding change: c.1733G>A on transcript NM_030665.4 (MANE Select); coding-DNA position 1733, G replaced by A.
Protein change: p.Ser578Asn; replaces serine 578 with asparagine.
Molecular consequence: missense variant.
Genome position (GRCh38, 1-based): chr17:17,794,681, G>A. VCF-style: chr17-17794681-G-A. GRCh37 (hg19) VCF-style: chr17-17697995-G-A.
Other names: short protein forms S578N.
Identifiers: ClinVar variation 1996866 (VCV001996866.4), dbSNP rs972350826, ClinGen allele CA288367880.

ClinVar aggregate classification (germline): Uncertain significance (1 of 4 stars; one submission).

Allele frequency attached by ClinVar (database versions not stated): gnomAD exomes below 0.00001.

Submission:

Labcorp Genetics (formerly Invitae), Labcorp
Classification: Uncertain significance. Last evaluated: 2022-05-20. Review status: criteria provided, single submitter. Criteria: Invitae Variant Classification Sherloc (09022015). Collection method: clinical testing. Allele origin: germline.
Comment: This variant has not been reported in the literature in individuals affected with RAI1-related conditions. This variant is not present in population databases (gnomAD no frequency). This sequence change replaces serine, which is neutral and polar, with asparagine, which is neutral and polar, at codon 578 of the RAI1 protein (p.Ser578Asn). Algorithms developed to predict the effect of missense changes on protein structure and function are either unavailable or do not agree on the potential impact of this missense change (SIFT: "Deleterious"; PolyPhen-2: "Benign"; Align-GVGD: "Class C0"). In summary, the available evidence is currently insufficient to determine the role of this variant in disease. Therefore, it has been classified as a Variant of Uncertain Significance.